The following is an entry in ClinVar:

ClinVar aggregate classification (germline): Pathogenic. Review status: criteria provided, multiple submitters, no conflicts (2 of 4 stars). 4 submissions from 4 submitters: Pathogenic (3). 1 of the submissions does not count toward it. Last evaluated 2026-07-22.

Conditions:
Hereditary cancer-predisposing syndrome. Also called: Neoplastic Syndromes, Hereditary; Hereditary neoplastic syndrome; Hereditary Cancer Syndrome; Tumor predisposition. Identifiers: Orphanet 140162, MedGen C0027672, MeSH D009386, MONDO:0015356.
Familial adenomatous polyposis 1 (FAP1). Also called: POLYPOSIS, ADENOMATOUS INTESTINAL; FAMILIAL ADENOMATOUS POLYPOSIS 1, ATTENUATED. Identifiers: MedGen C2713442, MONDO:0021056, OMIM 175100. Disease mechanism: loss of function.

Allele frequency attached by ClinVar (database versions not stated): TOPMed below 0.00001.

Submissions (4):

Ambry Genetics
Classification: Pathogenic for Hereditary cancer-predisposing syndrome. Last evaluated: 2026-07-22. Review status: criteria provided, single submitter. Criteria: Ambry Variant Classification Scheme 2023. Collection method: clinical testing. Allele origin: germline.
Comment: The p.Q278* pathogenic mutation (also known as c.832C>T), located in coding exon 7 of the APC gene, results from a C to T substitution at nucleotide position 832. This changes the amino acid from a glutamine to a stop codon within coding exon 7. This variant was reported in individuals with features consistent with familial adenomatous polyposis (Wallis YL et al. Hum Genet, 1994 Nov;94:543-8; Lagarde A et al. J Med Genet, 2010 Oct;47:721-2). This variant is considered to be rare based on population cohorts in the Genome Aggregation Database (gnomAD). This alteration is expected to result in loss of function by premature protein truncation or nonsense-mediated mRNA decay. As such, this alteration is interpreted as a disease-causing mutation.

Labcorp Genetics (formerly Invitae), Labcorp
Classification: Pathogenic for Familial adenomatous polyposis 1. Last evaluated: 2024-04-22. Review status: criteria provided, single submitter. Criteria: Invitae Variant Classification Sherloc (09022015). Collection method: clinical testing. Allele origin: germline.
Comment: This sequence change creates a premature translational stop signal (p.Gln278*) in the APC gene. It is expected to result in an absent or disrupted protein product. Loss-of-function variants in APC are known to be pathogenic (PMID: 17963004, 20685668). This variant is not present in population databases (gnomAD no frequency). This premature translational stop signal has been observed in individual(s) with familial adenomatous polyposis (PMID: 7959691, 20685668). ClinVar contains an entry for this variant (Variation ID: 470138). Algorithms developed to predict the effect of sequence changes on RNA splicing suggest that this variant may create or strengthen a splice site. For these reasons, this variant has been classified as Pathogenic.

Myriad Genetics, Inc.
Classification: Pathogenic for Familial adenomatous polyposis 1. Last evaluated: 2023-04-27. Review status: criteria provided, single submitter. Criteria: Myriad Autosomal Dominant, Autosomal Recessive and X-Linked Classification Criteria (2023). Collection method: clinical testing. Allele origin: unknown.
Comment: This variant is considered pathogenic. This variant creates a termination codon and is predicted to result in premature protein truncation.

Mayo Clinic Laboratories, Mayo Clinic
Classification: Pathogenic. Review status: no assertion criteria provided. Collection method: clinical testing. Allele origin: unknown. Not counted in ClinVar's aggregate classification.

Literature cited by the submitters: PubMed 20685668 (cited by Ambry Genetics and Labcorp Genetics (formerly Invitae), Labcorp); PubMed 7959691 (cited by Ambry Genetics and Labcorp Genetics (formerly Invitae), Labcorp); PubMed 17963004 (cited by Labcorp Genetics (formerly Invitae), Labcorp).

NM_000038.6(APC):c.832C>T (p.Gln278Ter)

Gene: APC (APC regulator of Wnt signaling pathway; plus strand). Cytogenetic location: 5q22.2.
Variant type: single nucleotide variant.
Coding change: c.832C>T on transcript NM_000038.6 (MANE Select); coding-DNA position 832, C replaced by T.
Protein change: p.Gln278Ter; replaces glutamine 278 with a stop codon.
Molecular consequence: nonsense. On other transcripts: 5 prime UTR variant (1).
Genome position (GRCh38, 1-based): chr5:112,801,381, C>T. VCF-style: chr5-112801381-C-T. GRCh37 (hg19) VCF-style: chr5-112137078-C-T.
Other names: c.832C>T, p.Gln278Ter (NM_001127510.3, NM_001354895.2, NM_001354896.2 and 1 more transcripts); c.778C>T, p.Gln260Ter (NM_001127511.3); c.862C>T, p.Gln288Ter (NM_001354897.2, NM_001354902.2); c.757C>T, p.Gln253Ter (NM_001354898.2, NM_001354904.2); c.748C>T, p.Gln250Ter (NM_001354899.2); c.655C>T, p.Gln219Ter (NM_001354900.2, NM_001354901.2, NM_001354905.2); c.-204C>T (NM_001354906.2); short protein forms Q278*, Q260*, Q219*, Q253*, Q250*, Q288*.
Identifiers: ClinVar variation 470138 (VCV000470138.16), dbSNP rs1554076217, ClinGen allele CA16023148.